The following is an entry in ClinVar:

ClinVar aggregate classification (germline): Uncertain significance (1 of 4 stars; one submission).

Conditions:
Hypogonadotropic hypogonadism 1 with or without anosmia (HH1). Also called: Kallmann syndrome, type 1, X-linked; DYSPLASIA OLFACTOGENITALIS OF DE MORSIER; HYPOGONADOTROPIC HYPOGONADISM 1 WITH ANOSMIA; Hypogonadotropic hypogonadism 1 with or without anosmia (Kallmann syndrome 1); KAL1-Related GnRH Deficiency (Kallmann Syndrome 1; Kallmann Syndrome, X-Linked); HYPOGONADOTROPIC HYPOGONADISM AND ANOSMIA. Identifiers: Orphanet 478, MedGen C1563719, MONDO:0010635, OMIM 308700. Disease mechanism: loss of function.

Allele frequency attached by ClinVar (database versions not stated): TOPMed below 0.00001; gnomAD 0.00001; ExAC 0.00002.
gnomAD v4.1: 16 of 1,209,853 alleles (0.0013%); highest among the groups gnomAD compares: South Asian, 0.0018%; no homozygotes.

Submission:

Labcorp Genetics (formerly Invitae), Labcorp
Classification: Uncertain significance for Hypogonadotropic hypogonadism 1 with or without anosmia. Last evaluated: 2024-04-29. Review status: criteria provided, single submitter. Criteria: Invitae Variant Classification Sherloc (09022015). Collection method: clinical testing. Allele origin: germline.
Comment: This sequence change replaces aspartic acid, which is acidic and polar, with asparagine, which is neutral and polar, at codon 133 of the ANOS1 protein (p.Asp133Asn). This variant is present in population databases (rs755516273, gnomAD 0.004%), including at least one homozygous and/or hemizygous individual. This variant has not been reported in the literature in individuals affected with ANOS1-related conditions. Advanced modeling of protein sequence and biophysical properties (such as structural, functional, and spatial information, amino acid conservation, physicochemical variation, residue mobility, and thermodynamic stability) performed at Invitae indicates that this missense variant is not expected to disrupt ANOS1 protein function with a negative predictive value of 80%. In summary, the available evidence is currently insufficient to determine the role of this variant in disease. Therefore, it has been classified as a Variant of Uncertain Significance.

NM_000216.4(ANOS1):c.397G>A (p.Asp133Asn)

Gene: ANOS1 (anosmin 1; minus strand). Cytogenetic location: Xp22.31.
Variant type: single nucleotide variant.
Coding change: c.397G>A on transcript NM_000216.4 (MANE Select); coding-DNA position 397, G replaced by A.
Protein change: p.Asp133Asn; replaces aspartic acid 133 with asparagine.
Molecular consequence: missense variant.
Genome position (GRCh38, 1-based): chrX:8,597,178, C>T on the plus strand (G>A on the coding strand, the complement: ANOS1 is on the minus strand). VCF-style: chrX-8597178-C-T. GRCh37 (hg19) VCF-style: chrX-8565219-C-T.
Other names: short protein forms D133N.
Identifiers: ClinVar variation 2895435 (VCV002895435.3), dbSNP rs755516273, ClinGen allele CA10343810.